The following is an entry in ClinVar:

ClinVar aggregate classification (germline): Likely benign. Review status: reviewed by expert panel (3 of 4 stars). 3 submissions from 3 submitters: Likely benign (1). 2 of the submissions do not count toward it. Last evaluated 2017-06-29.

Conditions:
Hereditary breast ovarian cancer syndrome. Also called: Hereditary breast and ovarian cancer syndrome (HBOC); BRCA1- and BRCA2-Associated Hereditary Breast and Ovarian Cancer; Hereditary breast and/or ovarian cancer syndrome; Hereditary breast and ovarian cancer syndrome; Hereditary breast and ovarian cancer; Breast and ovarian cancer. Identifiers: Orphanet 145, MedGen C0677776, MeSH D061325, MONDO:0003582. Disease mechanism: loss of function.
Hereditary cancer-predisposing syndrome. Also called: Neoplastic Syndromes, Hereditary; Hereditary neoplastic syndrome; Tumor predisposition; Hereditary Cancer Syndrome. Identifiers: Orphanet 140162, MedGen C0027672, MeSH D009386, MONDO:0015356.
Breast-ovarian cancer, familial, susceptibility to, 1 (BROVCA1). Also called: BRCA1 Hereditary Breast and Ovarian Cancer; OVARIAN CANCER, SUSCEPTIBILITY TO. Identifiers: Orphanet 145, MedGen C2676676, MONDO:0011450, OMIM 604370. Disease mechanism: loss of function.

Allele frequency attached by ClinVar (database versions not stated): gnomAD exomes below 0.00001; ExAC 0.00001.
gnomAD v4.1: 1 of 1,613,874 alleles (0.000062%); highest among the groups gnomAD compares: South Asian, 0.0011%; no homozygotes.

Submissions (3):

Evidence-based Network for the Interpretation of Germline Mutant Alleles (ENIGMA)
Classification: Likely benign for Breast-ovarian cancer, familial, susceptibility to, 1. Last evaluated: 2017-06-29. Review status: reviewed by expert panel. Criteria: ENIGMA BRCA1/2 Classification Criteria (2017-06-29). Collection method: curation. Allele origin: germline.
Comment: Synonymous substitution variant, with low bioinformatic likelihood to result in a splicing aberration (Splicing prior probability 0.02).

Labcorp Genetics (formerly Invitae), Labcorp
Classification: Likely benign for Hereditary breast ovarian cancer syndrome. Last evaluated: 2025-07-30. Review status: criteria provided, single submitter. Criteria: Invitae Variant Classification Sherloc (09022015). Collection method: clinical testing. Allele origin: germline. Not counted in ClinVar's aggregate classification.

Ambry Genetics
Classification: Likely benign for Hereditary cancer-predisposing syndrome. Last evaluated: 2023-06-25. Review status: criteria provided, single submitter. Criteria: Ambry Variant Classification Scheme 2023. Collection method: clinical testing. Allele origin: germline. Not counted in ClinVar's aggregate classification.

NM_007294.4(BRCA1):c.1578A>G (p.Gln526=)

Gene: BRCA1 (BRCA1 DNA repair associated; minus strand). Cytogenetic location: 17q21.31.
Variant type: single nucleotide variant.
Coding change: c.1578A>G on transcript NM_007294.4 (MANE Select); coding-DNA position 1578, A replaced by G.
Protein change: p.Gln526=; no amino-acid change (glutamine 526 retained).
Molecular consequence: synonymous variant. On other transcripts: intron variant (137).
Genome position (GRCh38, 1-based): chr17:43,093,953, T>C on the plus strand (A>G on the coding strand, the complement: BRCA1 is on the minus strand). VCF-style: chr17-43093953-T-C. GRCh37 (hg19) VCF-style: chr17-41245970-T-C.
Other names: c.1365A>G, p.Gln455= (NM_001407571.1, NM_001407853.1, NM_001407894.1 and 9 more transcripts); c.1578A>G, p.Gln526= (NM_001407581.1, NM_001407582.1, NM_001407583.1 and 30 more transcripts); c.1575A>G, p.Gln525= (NM_001407587.1, NM_001407590.1, NM_001407591.1 and 22 more transcripts); c.1569A>G, p.Gln523= (NM_001407646.1, NM_001407647.1); c.1455A>G, p.Gln485= (NM_001407648.1, NM_001407664.1, NM_001407665.1 and 19 more transcripts); c.1452A>G, p.Gln484= (NM_001407649.1, NM_001407670.1, NM_001407671.1 and 11 more transcripts); c.1500A>G, p.Gln500= (NM_001407653.1, NM_001407654.1, NM_001407655.1 and 4 more transcripts); c.1497A>G, p.Gln499= (NM_001407659.1, NM_001407660.1, NM_001407661.1 and 1 more transcripts); and 40 more.
Identifiers: ClinVar variation 427361 (VCV000427361.15), dbSNP rs762642319, ClinGen allele CA057387.